The following is an entry in ClinVar:

ClinVar aggregate classification (germline): Uncertain significance (1 of 4 stars; one submission).

Conditions:
Hereditary factor VIII deficiency disease (HEMA). Also called: AUTOSOMAL HEMOPHILIA A; Hemophilia A; HEMOPHILIA, CLASSIC; Hemophilia A, congenital; HEM A; Factor 8 deficiency, congenital. Identifiers: Orphanet 98878, MedGen C0019069, MONDO:0010602, OMIM 306700.

Allele frequency attached by ClinVar (database versions not stated): gnomAD exomes 0.00003; ExAC 0.00006; gnomAD 0.00007 and 0.00009; TOPMed 0.00007; ESP Exome Variant Server 0.00019.
gnomAD v4.1: 41 of 1,208,528 alleles (0.0034%); highest among the groups gnomAD compares: African/African-American, 0.014%; no homozygotes.

Submission:

ARUP Laboratories, Molecular Genetics and Genomics, ARUP Laboratories
Classification: Uncertain significance for Hereditary factor VIII deficiency disease. Last evaluated: 2018-08-03. Review status: criteria provided, single submitter. Criteria: ARUP Molecular Germline Variant Investigation Process. Collection method: clinical testing. Allele origin: germline.
Comment: The F8 c.1666G>A; p.Val556Ile variant (rs372867215), to our knowledge, is not reported in the medical literature or gene specific databases. This variant is found in the general population with an overall allele frequency of 0.004% (8/200264 alleles, including 2 hemizygotes) in the Genome Aggregation Database. Another variant at this codon (c.1667C>T, p.Val556Asp) has been reported in at least one individual with hemophilia A, and is considered moderately severe (Tavassoli 1998, Factor VIII Variant Database). The valine at codon 556 is weakly conserved, and computational analyses (SIFT, PolyPhen-2) predict that the p.Val556Ile variant is tolerated. Due to limited information, the clinical significance of the p.Val556Ile variant is uncertain at this time. Reference: Link to Factor VIII Variant Database: Tavassoli K et al. Molecular diagnostics of 15 hemophilia A patients: characterization of eight novel mutations in the factor VIII gene, two of which result in exon skipping. Hum Mutat. 1998;12(5):301-3.

NM_000132.4(F8):c.1666G>A (p.Val556Ile)

Gene: F8 (coagulation factor VIII; minus strand). Cytogenetic location: Xq28.
Variant type: single nucleotide variant.
Coding change: c.1666G>A on transcript NM_000132.4 (MANE Select); coding-DNA position 1666, G replaced by A.
Protein change: p.Val556Ile; replaces valine 556 with isoleucine.
Molecular consequence: missense variant.
Genome position (GRCh38, 1-based): chrX:154,957,043, C>T on the plus strand (G>A on the coding strand, the complement: F8 is on the minus strand). VCF-style: chrX-154957043-C-T. GRCh37 (hg19) VCF-style: chrX-154185318-C-T.
Other names: short protein forms V556I.
Identifiers: ClinVar variation 811103 (VCV000811103.8), dbSNP rs372867215, ClinGen allele CA10568424.